The following is an entry in ClinVar:

ClinVar aggregate classification (germline): Uncertain significance (1 of 4 stars; one submission).

Submission:

Labcorp Genetics (formerly Invitae), Labcorp
Classification: Uncertain significance. Last evaluated: 2024-09-10. Review status: criteria provided, single submitter. Criteria: Invitae Variant Classification Sherloc (09022015). Collection method: clinical testing. Allele origin: germline.
Comment: This sequence change replaces leucine, which is neutral and non-polar, with proline, which is neutral and non-polar, at codon 854 of the ERCC6L2 protein (p.Leu854Pro). This variant is not present in population databases (gnomAD no frequency). This variant has not been reported in the literature in individuals affected with ERCC6L2-related conditions. Experimental studies and prediction algorithms are not available or were not evaluated, and the functional significance of this variant is currently unknown. In summary, the available evidence is currently insufficient to determine the role of this variant in disease. Therefore, it has been classified as a Variant of Uncertain Significance.

NM_020207.7(ERCC6L2):c.2528T>C (p.Leu843Pro)

Gene: ERCC6L2 (ERCC excision repair 6 like 2; plus strand). Cytogenetic location: 9q22.32.
Variant type: single nucleotide variant.
Coding change: c.2528T>C on transcript NM_020207.7 (MANE Select); coding-DNA position 2528, T replaced by C.
Protein change: p.Leu843Pro; replaces leucine 843 with proline.
Molecular consequence: missense variant. On other transcripts: non-coding transcript variant (1).
Genome position (GRCh38, 1-based): chr9:95,972,279, T>C. VCF-style: chr9-95972279-T-C. GRCh37 (hg19) VCF-style: chr9-98734561-T-C.
Other names: c.2528T>C, p.Leu843Pro (NM_001375291.1, NM_001375292.1, NM_001375293.1 and 1 more transcripts); short protein forms L843P.
Identifiers: ClinVar variation 3730425 (VCV003730425.2).